The following is an entry in ClinVar:

ClinVar aggregate classification (germline): Pathogenic. Review status: criteria provided, multiple submitters, no conflicts (2 of 4 stars). 2 submissions from 2 submitters: Pathogenic (2). Last evaluated 2022-09-16.

Conditions:
Usher syndrome type 2. Also called: Usher Syndrome Type II. Identifiers: Orphanet 231178, MedGen C0339534, MONDO:0016484.

gnomAD v4.1: 2 of 1,602,094 alleles (0.00012%); highest among the groups gnomAD compares: Non-Finnish European, 0.00017%; no homozygotes.

Submissions (2):

Labcorp Genetics (formerly Invitae), Labcorp
Classification: Pathogenic. Last evaluated: 2022-09-16. Review status: criteria provided, single submitter. Criteria: Invitae Variant Classification Sherloc (09022015). Collection method: clinical testing. Allele origin: germline.
Comment: For these reasons, this variant has been classified as Pathogenic. Algorithms developed to predict the effect of sequence changes on RNA splicing suggest that this variant may disrupt the consensus splice site. ClinVar contains an entry for this variant (Variation ID: 695022). Disruption of this splice site has been observed in individual(s) with clinical features of Usher syndrome (Invitae). In at least one individual the data is consistent with being in trans (on the opposite chromosome) from a pathogenic variant. This variant is not present in population databases (gnomAD no frequency). This sequence change affects an acceptor splice site in intron 84 of the ADGRV1 gene. It is expected to disrupt RNA splicing. Variants that disrupt the donor or acceptor splice site typically lead to a loss of protein function (PMID: 16199547), and loss-of-function variants in ADGRV1 are known to be pathogenic (PMID: 19357117, 22135276, 22147658, 26226137, 30718709, 31047384, 32467589).

Center of Genomic medicine, Geneva, University Hospital of Geneva
Classification: Pathogenic for Usher syndrome type 2. Last evaluated: 2018-08-06. Review status: criteria provided, single submitter. Criteria: ACMG Guidelines, 2015. Collection method: clinical testing. Allele origin: germline. Affected: yes. Observed: 1 variant allele.

Literature cited by the submitters: PubMed 16199547 (cited by Labcorp Genetics (formerly Invitae), Labcorp); PubMed 19357117 (cited by Labcorp Genetics (formerly Invitae), Labcorp); PubMed 22135276 (cited by Labcorp Genetics (formerly Invitae), Labcorp); PubMed 22147658 (cited by Labcorp Genetics (formerly Invitae), Labcorp); PubMed 26226137 (cited by Labcorp Genetics (formerly Invitae), Labcorp); PubMed 30718709 (cited by Labcorp Genetics (formerly Invitae), Labcorp); PubMed 31047384 (cited by Labcorp Genetics (formerly Invitae), Labcorp); PubMed 32467589 (cited by Labcorp Genetics (formerly Invitae), Labcorp).

NM_032119.4(ADGRV1):c.17974-1G>C

Gene: ADGRV1 (adhesion G protein-coupled receptor V1; plus strand). Cytogenetic location: 5q14.3.
Variant type: single nucleotide variant.
Coding change: c.17974-1G>C on transcript NM_032119.4 (MANE Select); the canonical splice acceptor site of the intron before coding-DNA position 17974, G replaced by C.
Molecular consequence: splice acceptor variant.
Genome position (GRCh38, 1-based): chr5:90,985,343, G>C. VCF-style: chr5-90985343-G-C. GRCh37 (hg19) VCF-style: chr5-90281160-G-C.
Identifiers: ClinVar variation 695022 (VCV000695022.7), dbSNP rs1581711527, ClinGen allele CA360429033.
Genomic context (GRCh38, chr5:90,985,343, plus strand): 5'-GAGTTTGTGTTCTGTGCCATTAAAGAAGAGCCTGTTCATTTTATGTTGTTTTCTTCCTTA[G>C]TCTGTGAATTTCTGGTACGTGCTGGTGATGAATGATGAGCACACAGAGAGGCGATATCTG-3'